The following is an entry in ClinVar:

NM_000138.5(FBN1):c.7408T>C (p.Cys2470Arg)

Gene: FBN1 (fibrillin 1; minus strand). Cytogenetic location: 15q21.1.
Variant type: single nucleotide variant.
Coding change: c.7408T>C on transcript NM_000138.5 (MANE Select); coding-DNA position 7408, T replaced by C.
Protein change: p.Cys2470Arg; replaces cysteine 2470 with arginine.
Molecular consequence: missense variant.
Genome position (GRCh38, 1-based): chr15:48,425,414, A>G on the plus strand (T>C on the coding strand, the complement: FBN1 is on the minus strand). VCF-style: chr15-48425414-A-G. GRCh37 (hg19) VCF-style: chr15-48717611-A-G.
Other names: short protein forms C2470R.
Identifiers: ClinVar variation 549406 (VCV000549406.5), dbSNP rs1555394399, ClinGen allele CA392327772.
Genomic context (GRCh38, chr15:48,425,414, plus strand): 5'-TCAATTCTACTTTACCTTTGCAGCTCCTTCCATCCTCTTGCAGAATGTAGCCTTTCGGGC[A>G]TGAACACTGGTAACTCCCTTCTGTGTTTTTGCAGATAAAATTGCAGGGTTTGGGAGCCTG-3'
Protein context (NP_000129.3, residues 2460-2480): KNTEGSYQCS[Cys2470Arg]PKGYILQEDG

ClinVar aggregate classification (germline): Likely pathogenic. Review status: criteria provided, multiple submitters, no conflicts (2 of 4 stars). 4 submissions from 4 submitters: Likely pathogenic (3). 1 of the submissions does not count toward it. Last evaluated 2025-01-13.

Conditions:
Familial thoracic aortic aneurysm and aortic dissection (TAAD). Also called: Thoracic aortic aneurysms and dissections. Identifiers: Orphanet 91387, MedGen C4707243, MONDO:0019625.
Marfan syndrome (MFS). Also called: Marfan syndrome type 1; Marfan syndrome, classic; Marfan's syndrome; FBN1-Related Marfan Syndrome; MARFAN SYNDROME, TYPE I. Identifiers: Orphanet 284963, Orphanet 558, MedGen C0024796, MONDO:0007947, OMIM 154700.

Submissions (4):

Clinical Genetics Laboratory, Skane University Hospital Lund
Classification: Likely pathogenic for Marfan syndrome. Last evaluated: 2025-01-13. Review status: criteria provided, single submitter. Criteria: ACMG Guidelines, 2015. Collection method: clinical testing. Allele origin: germline. Affected: yes.
Comment: ACMG criteria used: PS4_Moderate, PM1_Strong, PM2_Supporting, PP2, PP3

GeneDx
Classification: Likely pathogenic. Last evaluated: 2024-01-08. Review status: criteria provided, single submitter. Criteria: GeneDx Variant Classification Process June 2021. Collection method: clinical testing. Allele origin: germline. Affected: yes.
Comment: Has been reported in an individual with Marfan syndrome (PMID: 29848614); Not observed at significant frequency in large population cohorts (gnomAD); In silico analysis supports that this missense variant has a deleterious effect on protein structure/function; Affects a cysteine residue within a calcium-binding EGF-like domain of the FBN1 gene, which may affect disulfide bonding and is predicted to alter the structure and function of the protein; cysteine substitutions in the calcium-binding EGF-like domains represent the majority of pathogenic missense changes associated with FBN1-related disorders (PMID: 12938084); This variant is associated with the following publications: (PMID: 12938084, 29848614)

Ambry Genetics
Classification: Likely pathogenic for Familial thoracic aortic aneurysm and aortic dissection. Last evaluated: 2018-08-23. Review status: criteria provided, single submitter. Criteria: Ambry Variant Classification Scheme 2023. Collection method: clinical testing. Allele origin: germline.
Comment: The p.C2470R variant (also known as c.7408T>C), located in coding exon 59 of the FBN1 gene, results from a T to C substitution at nucleotide position 7408. The cysteine at codon 2470 is replaced by arginine, an amino acid with highly dissimilar properties, and is located in the cbEGF-like #38 domain. The majority of FBN1 mutations identified to date have involved the substitution or generation of cysteine residues within cbEGF domains (Vollbrandt T et al. J Biol Chem. 2004;279(31):32924-32931). Based on internal structural assessment, this alteration eliminates a structurally critical disulfide in the structurally sensitive cbEGF domain #38. Furthermore, alternate amino acid substitutions at this position, p.C2470W and p.C2470Y, have been reported in individuals with Marfan syndrome and Marfan-like features (Comeglio P et al. Hum. Mutat., 2007 Sep;28:928; Attanasio M et al. Clin. Genet., 2008 Jul;74:39-46; Potter KJ et al. Mol Syndromol, 2013 Mar;4:125-35). Based on the majority of available evidence to date, this variant is likely to be pathogenic.

Center for Medical Genetics Ghent, University of Ghent
Classification: Likely pathogenic for Marfan syndrome. Last evaluated: 2017-11-07. Review status: no assertion criteria provided. Collection method: clinical testing. Allele origin: germline. Affected: yes. Not counted in ClinVar's aggregate classification.

Literature cited by the submitters: PubMed 17657824 (cited by Ambry Genetics); PubMed 18435798 (cited by Ambry Genetics); PubMed 23653584 (cited by Ambry Genetics).